The following is an entry in ClinVar:

NM_001846.4(COL4A2):c.360+2T>C

Gene: COL4A2 (collagen type IV alpha 2 chain; plus strand). Cytogenetic location: 13q34.
Variant type: single nucleotide variant.
Coding change: c.360+2T>C on transcript NM_001846.4 (MANE Select); the canonical splice donor site of the intron after coding-DNA position 360, T replaced by C.
Molecular consequence: splice donor variant.
Genome position (GRCh38, 1-based): chr13:110,424,999, T>C. VCF-style: chr13-110424999-T-C. GRCh37 (hg19) VCF-style: chr13-111077346-T-C.
Other names: c.360+2T>C (NM_001846.3).
Identifiers: ClinVar variation 1328191 (VCV001328191.3), dbSNP rs2139454253, ClinGen allele CA388728246.
Genomic context (GRCh38, chr13:110,424,999, plus strand): 5'-TGCTTTCTTCATAGGGAGCAAGAGGCGTTTCTGGATTCCCTGGTGCCGATGGAATTCCTG[T>C]AAGTTTTATGGAAGACTGGAATTTTAAAACATTGCGTGCATCCTAGGCAATACATTTTGT-3'

ClinVar aggregate classification (germline): Conflicting classifications of pathogenicity. Review status: no assertion criteria provided (0 of 4 stars). 3 submissions from 3 submitters: Pathogenic (1); Likely pathogenic (1); Uncertain significance (1). Last evaluated 2024-06-26.

Conditions:
COL4A2-related disorder. Also called: COL4A2-related disorders; COL4A2-related condition.

Allele frequency attached by ClinVar (database versions not stated): gnomAD exomes 0.00002.
gnomAD v4.1: 9 of 1,614,222 alleles (0.00056%); highest among the groups gnomAD compares: Non-Finnish European, 0.00076%; no homozygotes.

Submissions (3):

PreventionGenetics, part of Exact Sciences
Classification: Uncertain significance for COL4A2-related condition. Last evaluated: 2024-06-26. Review status: no assertion criteria provided. Collection method: clinical testing. Allele origin: germline.
Comment: The COL4A2 c.360+2T>C variant is predicted to disrupt the GT donor site and interfere with normal splicing. To our knowledge, this variant has not been reported in the literature or in a large population database, indicating this variant is rare. The vast majority of pathogenic variants in COL4A2 impact the residues of the highly conversed triple helical domain (amino acids 184-1484, Uniprot; Guey et al. 2022. PubMed ID: 36324412). Although we suspect that this variant may be pathogenic, at this time, the clinical significance of this variant is uncertain due to the absence of conclusive functional and genetic evidence.

Clinical Genetics DNA and cytogenetics Diagnostics Lab, Erasmus MC, Erasmus Medical Center
Classification: Pathogenic. Review status: no assertion criteria provided. Collection method: clinical testing. Allele origin: germline. Affected: yes. Study: VKGL Data-share Consensus.

Diagnostic Laboratory, Department of Genetics, University Medical Center Groningen
Classification: Likely pathogenic. Review status: no assertion criteria provided. Collection method: clinical testing. Allele origin: germline. Affected: yes. Study: VKGL Data-share Consensus.